The following is an entry in ClinVar:

NM_182706.5(SCRIB):c.4337C>T (p.Pro1446Leu)

Gene: SCRIB (scribble planar cell polarity protein; minus strand). Cytogenetic location: 8q24.3.
Variant type: single nucleotide variant.
Coding change: c.4337C>T on transcript NM_182706.5 (MANE Select); coding-DNA position 4337, C replaced by T.
Protein change: p.Pro1446Leu; replaces proline 1446 with leucine.
Molecular consequence: missense variant.
Genome position (GRCh38, 1-based): chr8:143,792,397, G>A on the plus strand (C>T on the coding strand, the complement: SCRIB is on the minus strand). VCF-style: chr8-143792397-G-A. GRCh37 (hg19) VCF-style: chr8-144874567-G-A.
Other names: c.4337C>T, p.Pro1446Leu (NM_015356.5); short protein forms P1446L.
Identifiers: ClinVar variation 4864193 (VCV004864193.1).

ClinVar aggregate classification (germline): Uncertain significance (1 of 4 stars; one submission).

gnomAD v4.1: 28 of 1,503,010 alleles (0.0019%); highest among the groups gnomAD compares: African/African-American, 0.026%; no homozygotes.

Submission:

Ambry Genetics
Classification: Uncertain significance. Last evaluated: 2026-04-14. Review status: criteria provided, single submitter. Criteria: Ambry Variant Classification Scheme 2023. Collection method: clinical testing. Allele origin: germline.
Comment: The c.4337C>T (p.P1446L) alteration is located in exon 32 (coding exon 32) of the SCRIB gene. This alteration results from a C to T substitution at nucleotide position 4337, causing the proline (P) at amino acid position 1446 to be replaced by a leucine (L). Based on data from gnomAD, the T allele has an overall frequency of 0.007% (10/151178) total alleles studied. The highest observed frequency was 0.035% (6/17012) of African alleles. Based on insufficient or conflicting evidence, the clinical significance of this alteration remains unclear.